The following is an entry in ClinVar:

NM_003900.5(SQSTM1):c.515T>A (p.Phe172Tyr)

Gene: SQSTM1 (sequestosome 1; plus strand). Cytogenetic location: 5q35.3.
Variant type: single nucleotide variant.
Coding change: c.515T>A on transcript NM_003900.5 (MANE Select); coding-DNA position 515, T replaced by A.
Protein change: p.Phe172Tyr; replaces phenylalanine 172 with tyrosine.
Molecular consequence: missense variant.
Genome position (GRCh38, 1-based): chr5:179,824,071, T>A. VCF-style: chr5-179824071-T-A. GRCh37 (hg19) VCF-style: chr5-179251071-T-A.
Other names: c.263T>A, p.Phe88Tyr (NM_001142298.2, NM_001142299.2); short protein forms F172Y, F88Y.
Identifiers: ClinVar variation 2076899 (VCV002076899.4), dbSNP rs2480214432, ClinGen allele CA362445097.
Genomic context (GRCh38, chr5:179,824,071, plus strand): 5'-GCGTCTGCGAGGGAAAGGGCTTGCACCGGGGGCACACCAAGCTCGCATTCCCCAGCCCCT[T>A]CGGGCACCTGTCTGAGGTGAGCAGGCCCTCTGTGCAGGCCTGGGGTGGGCTCAGGGTGGC-3'
Protein context (NP_003891.1, residues 162-182): GHTKLAFPSP[Phe172Tyr]GHLSEGFSHS

ClinVar aggregate classification (germline): Uncertain significance (1 of 4 stars; one submission).

Conditions:
Paget disease of bone 2, early-onset (PDB2). Also called: Paget disease of bone 2. Identifiers: MedGen C4085251, MONDO:0011183, OMIM 602080.
Frontotemporal dementia and/or amyotrophic lateral sclerosis 1 (FTDALS1). Also called: C9orf72 Frontotemporal Dementia and/or Amyotrophic Lateral Sclerosis; Frontotemporal dementia with motor neuron disease 1. Identifiers: Orphanet 275872, MedGen C5779877, MONDO:0007105, OMIM 105550.

Submission:

Labcorp Genetics (formerly Invitae), Labcorp
Classification: Uncertain significance for Paget disease of bone 2, early-onset; Frontotemporal dementia and/or amyotrophic lateral sclerosis 1. Last evaluated: 2022-01-06. Review status: criteria provided, single submitter. Criteria: Invitae Variant Classification Sherloc (09022015). Collection method: clinical testing. Allele origin: germline.
Comment: This sequence change replaces phenylalanine, which is neutral and non-polar, with tyrosine, which is neutral and polar, at codon 172 of the SQSTM1 protein (p.Phe172Tyr). This variant is not present in population databases (gnomAD no frequency). In summary, the available evidence is currently insufficient to determine the role of this variant in disease. Therefore, it has been classified as a Variant of Uncertain Significance. Algorithms developed to predict the effect of missense changes on protein structure and function (SIFT, PolyPhen-2, Align-GVGD) all suggest that this variant is likely to be tolerated. This variant has not been reported in the literature in individuals affected with SQSTM1-related conditions.